The following is an entry in ClinVar:

NM_004747.4(DLG5):c.268G>C (p.Gly90Arg)

Gene: DLG5 (discs large MAGUK scaffold protein 5; minus strand). Cytogenetic location: 10q22.3.
Variant type: single nucleotide variant.
Coding change: c.268G>C on transcript NM_004747.4 (MANE Select); coding-DNA position 268, G replaced by C.
Protein change: p.Gly90Arg; replaces glycine 90 with arginine.
Molecular consequence: missense variant.
Genome position (GRCh38, 1-based): chr10:77,926,253, C>G on the plus strand (G>C on the coding strand, the complement: DLG5 is on the minus strand). VCF-style: chr10-77926253-C-G. GRCh37 (hg19) VCF-style: chr10-79686011-C-G.
Other names: short protein forms G90R.
Identifiers: ClinVar variation 3043769 (VCV003043769.3), dbSNP rs781090834, ClinGen allele CA5570521.

ClinVar aggregate classification (germline): Uncertain significance. Review status: criteria provided, single submitter (1 of 4 stars). 2 submissions from 2 submitters: Uncertain significance (1). 1 of the submissions does not count toward it. Last evaluated 2025-12-16.

Conditions:
DLG5-related disorder. Also called: DLG5-related condition.

gnomAD v4.1: 14 of 1,546,676 alleles (0.00091%); highest among the groups gnomAD compares: South Asian, 0.013%; no homozygotes.

Submissions (2):

Ambry Genetics
Classification: Uncertain significance. Last evaluated: 2025-12-16. Review status: criteria provided, single submitter. Criteria: Ambry Variant Classification Scheme 2023. Collection method: clinical testing. Allele origin: germline.

PreventionGenetics, part of Exact Sciences
Classification: Uncertain significance for DLG5-related condition. Last evaluated: 2024-01-23. Review status: no assertion criteria provided. Collection method: clinical testing. Allele origin: germline. Not counted in ClinVar's aggregate classification.
Comment: The DLG5 c.268G>C variant is predicted to result in the amino acid substitution p.Gly90Arg. To our knowledge, this variant has not been reported in the literature. This variant is reported in 0.013% of alleles in individuals of South Asian descent in gnomAD. At this time, the clinical significance of this variant is uncertain due to the absence of conclusive functional and genetic evidence.